The following is an entry in ClinVar:

NM_021098.3(CACNA1H):c.59C>G (p.Pro20Arg)

Gene: CACNA1H (calcium voltage-gated channel subunit alpha1 H; plus strand). Cytogenetic location: 16p13.3.
Variant type: single nucleotide variant.
Coding change: c.59C>G on transcript NM_021098.3 (MANE Select); coding-DNA position 59, C replaced by G.
Protein change: p.Pro20Arg; replaces proline 20 with arginine.
Molecular consequence: missense variant.
Genome position (GRCh38, 1-based): chr16:1,153,796, C>G. VCF-style: chr16-1153796-C-G. GRCh37 (hg19) VCF-style: chr16-1203796-C-G.
Other names: c.59C>G, p.Pro20Arg (NM_001005407.2); short protein forms P20R.
Identifiers: ClinVar variation 2938907 (VCV002938907.3), dbSNP rs890695707, ClinGen allele CA276601125.

ClinVar aggregate classification (germline): Uncertain significance (1 of 4 stars; one submission).

Conditions:
Hyperaldosteronism, familial, type IV (HALD4). Also called: FH IV; ALDOSTERONISM, PRIMARY, AND HYPERTENSION. Identifiers: Orphanet 642671, MedGen C4310756, MONDO:0014875, OMIM 617027.
Idiopathic generalized epilepsy. Also called: EIG; Generalised epilepsy. Identifiers: MedGen C0270850, MONDO:0005579, OMIM 600669.

gnomAD v4.1: 3 of 1,247,476 alleles (0.00024%); highest among the groups gnomAD compares: East Asian, 0.0034%; no homozygotes.

Submission:

Labcorp Genetics (formerly Invitae), Labcorp
Classification: Uncertain significance for Idiopathic generalized epilepsy; Hyperaldosteronism, familial, type IV. Last evaluated: 2023-01-11. Review status: criteria provided, single submitter. Criteria: Invitae Variant Classification Sherloc (09022015). Collection method: clinical testing. Allele origin: germline.
Comment: In summary, the available evidence is currently insufficient to determine the role of this variant in disease. Therefore, it has been classified as a Variant of Uncertain Significance. Advanced modeling of protein sequence and biophysical properties (such as structural, functional, and spatial information, amino acid conservation, physicochemical variation, residue mobility, and thermodynamic stability) performed at Invitae indicates that this missense variant is not expected to disrupt CACNA1H protein function. This variant has not been reported in the literature in individuals affected with CACNA1H-related conditions. This variant is not present in population databases (gnomAD no frequency). This sequence change replaces proline, which is neutral and non-polar, with arginine, which is basic and polar, at codon 20 of the CACNA1H protein (p.Pro20Arg).